The following is an entry in ClinVar:

ClinVar aggregate classification (germline): Uncertain significance (1 of 4 stars; one submission).

Allele frequency attached by ClinVar (database versions not stated): gnomAD exomes 0.00003; ExAC 0.00010; gnomAD 0.00025; TOPMed 0.00030; ESP Exome Variant Server 0.00031; 1000 Genomes Project 0.00060; 1000 Genomes Project 30x 0.00062.
gnomAD v4.1: 81 of 1,614,222 alleles (0.005%); highest among the groups gnomAD compares: African/African-American, 0.093%; no homozygotes.

Submission:

Labcorp Genetics (formerly Invitae), Labcorp
Classification: Uncertain significance. Last evaluated: 2026-01-18. Review status: criteria provided, single submitter. Criteria: Invitae Variant Classification Sherloc (09022015). Collection method: clinical testing. Allele origin: germline.
Comment: This sequence change replaces glutamic acid, which is acidic and polar, with glutamine, which is neutral and polar, at codon 406 of the ACOX2 protein (p.Glu406Gln). This variant is present in population databases (rs142358437, gnomAD 0.1%), and has an allele count higher than expected for a pathogenic variant. This variant has not been reported in the literature in individuals affected with ACOX2-related conditions. ClinVar contains an entry for this variant (Variation ID: 2713753). Invitae Evidence Modeling of protein sequence and biophysical properties (such as structural, functional, and spatial information, amino acid conservation, physicochemical variation, residue mobility, and thermodynamic stability) indicates that this missense variant is not expected to disrupt ACOX2 protein function with a negative predictive value of 80%. In summary, the available evidence is currently insufficient to determine the role of this variant in disease. Therefore, it has been classified as a Variant of Uncertain Significance.

NM_003500.4(ACOX2):c.1216G>C (p.Glu406Gln)

Gene: ACOX2 (acyl-CoA oxidase 2; minus strand). Cytogenetic location: 3p14.3.
Variant type: single nucleotide variant.
Coding change: c.1216G>C on transcript NM_003500.4 (MANE Select); coding-DNA position 1216, G replaced by C.
Protein change: p.Glu406Gln; replaces glutamic acid 406 with glutamine.
Molecular consequence: missense variant.
Genome position (GRCh38, 1-based): chr3:58,526,596, C>G on the plus strand (G>C on the coding strand, the complement: ACOX2 is on the minus strand). VCF-style: chr3-58526596-C-G. GRCh37 (hg19) VCF-style: chr3-58512323-C-G.
Other names: short protein forms E406Q.
Identifiers: ClinVar variation 2713753 (VCV002713753.3), dbSNP rs142358437, ClinGen allele CA2472125.